The following is an entry in ClinVar:

ClinVar aggregate classification (germline): Likely benign. Review status: criteria provided, multiple submitters, no conflicts (2 of 4 stars). 6 submissions from 6 submitters: Likely benign (5). 1 of the submissions does not count toward it. Last evaluated 2026-02-04.

Conditions:
AMN-related disorder. Also called: AMN-related condition.
Imerslund-Grasbeck syndrome type 2. Also called: Megaloblastic anemia 1, Norwegian type; MEGALOBLASTIC ANEMIA, NORWEGIAN TYPE; Imerslund-Gräsbeck syndrome 2. Identifiers: MedGen C4016948, MONDO:0100157, OMIM 618882.
Imerslund-Grasbeck syndrome. Also called: Megaloblastic anemia due to inborn errors of metabolism; PERNICIOUS ANEMIA, JUVENILE, DUE TO SELECTIVE INTESTINAL MALABSORPTION OF VITAMIN B12, WITH PROTEINURIA; Imerslund-Gräsbeck syndrome; ENTEROCYTE COBALAMIN MALABSORPTION; ENTEROCYTE INTRINSIC FACTOR RECEPTOR, DEFECT OF. Identifiers: Orphanet 35858, MedGen C4551825, MONDO:0009853.

Allele frequency attached by ClinVar (database versions not stated): 1000 Genomes Project 0.00200; 1000 Genomes Project 30x 0.00219; ExAC 0.00291; gnomAD exomes 0.00431 and 0.00685; ESP Exome Variant Server 0.00432; TOPMed 0.00478; gnomAD 0.00522 and 0.00544.
gnomAD v4.1: 10,244 of 1,549,708 alleles (0.66%); highest among the groups gnomAD compares: Non-Finnish European, 0.79%; 40 homozygotes.

Submissions (6):

Labcorp Genetics (formerly Invitae), Labcorp
Classification: Likely benign for Imerslund-Grasbeck syndrome. Last evaluated: 2026-02-04. Review status: criteria provided, single submitter. Criteria: Invitae Variant Classification Sherloc (09022015). Collection method: clinical testing. Allele origin: germline.

Mayo Clinic Laboratories, Mayo Clinic
Classification: Likely benign. Last evaluated: 2025-04-14. Review status: criteria provided, single submitter. Criteria: ACMG Guidelines, 2015. Collection method: clinical testing. Allele origin: germline. Observed: 1 variant allele.
Comment: BA1, BP4_moderate

ARUP Laboratories, Molecular Genetics and Genomics, ARUP Laboratories
Classification: Likely benign for Imerslund-Grasbeck syndrome type 2. Last evaluated: 2024-09-30. Review status: criteria provided, single submitter. Criteria: ARUP Molecular Germline Variant Investigation Process 2024. Collection method: clinical testing. Allele origin: germline.

CeGaT Center for Human Genetics Tuebingen
Classification: Likely benign. Last evaluated: 2023-03-01. Review status: criteria provided, single submitter. Criteria: CeGaT Center For Human Genetics Tuebingen Variant Classification Criteria Version 2. Collection method: clinical testing. Allele origin: germline. Affected: yes. Observed: 1 variant allele.
Comment: AMN: BS2

Breakthrough Genomics
Classification: Likely benign. Review status: criteria provided, single submitter. Criteria: ACMG Guidelines, 2015. Collection method: not provided. Allele origin: germline. Inheritance: Autosomal recessive inheritance. Affected: yes.

PreventionGenetics, part of Exact Sciences
Classification: Benign for AMN-related condition. Last evaluated: 2019-09-26. Review status: no assertion criteria provided. Collection method: clinical testing. Allele origin: germline. Not counted in ClinVar's aggregate classification.
Comment: This variant is classified as benign based on ACMG/AMP sequence variant interpretation guidelines (Richards et al. 2015 PMID: 25741868, with internal and published modifications).

Literature cited by the submitters: PubMed 33693455 (cited by Mayo Clinic Laboratories, Mayo Clinic).

NM_030943.4(AMN):c.773T>C (p.Leu258Ser)

Gene: AMN (amnion associated transmembrane protein; plus strand). Cytogenetic location: 14q32.32.
Variant type: single nucleotide variant.
Coding change: c.773T>C on transcript NM_030943.4 (MANE Select); coding-DNA position 773, T replaced by C.
Protein change: p.Leu258Ser; replaces leucine 258 with serine.
Molecular consequence: missense variant.
Genome position (GRCh38, 1-based): chr14:102,929,667, T>C. VCF-style: chr14-102929667-T-C. GRCh37 (hg19) VCF-style: chr14-103396004-T-C.
Other names: p.Leu258Ser; short protein forms L258S.
Identifiers: ClinVar variation 695424 (VCV000695424.41), dbSNP rs190222721, ClinGen allele CA7359998.